The following is an entry in ClinVar:

NM_012179.4(FBXO7):c.915_916del (p.Arg306fs)

Gene: FBXO7 (F-box protein 7; plus strand). Cytogenetic location: 22q12.3.
Variant type: Microsatellite.
Coding change: c.915_916del on transcript NM_012179.4 (MANE Select); coding-DNA positions 915 to 916, 2 bases deleted (TC; older notation c.915_916delTC).
Protein change: p.Arg306fs; shifts the reading frame from arginine 306.
Molecular consequence: frameshift variant.
Genome position (GRCh38, 1-based): chr22:32,491,129-32,491,130, TC deleted; deleting any 2 consecutive bases within chr22:32,491,124-32,491,130 gives the same sequence; the c. name uses the placement nearest the transcript's 3' end. VCF-style (leftmost placement, unchanged base first): chr22-32491123-ACT-A. GRCh37 (hg19) VCF-style: chr22-32887110-ACT-A.
Other names: c.678_679del, p.Arg227fs (NM_001033024.2); c.573_574del, p.Arg192fs (NM_001257990.2); short protein forms R306fs, R227fs, R192fs.
Identifiers: ClinVar variation 2732774 (VCV002732774.3), dbSNP rs1568977722, ClinGen allele CA2577697894.
Genomic context (GRCh38, chr22:32,491,123, plus strand): 5'-TTTTACTTTAAAAAATATTCTAGGGGAAAATGTAGCCAACATATACAAAGATCTTCAGAA[ACT>A]CTCTCGCCTCTTTAAAGACCAGCTGGTGTATCCTCTTCTGGCTTTTACCCGACAAGGTAA-3'

ClinVar aggregate classification (germline): Pathogenic (1 of 4 stars; one submission).

Conditions:
Parkinsonian-pyramidal syndrome. Also called: PARKINSON DISEASE 15, AUTOSOMAL RECESSIVE; PALLIDOPYRAMIDAL SYNDROME; PARKINSON DISEASE 15, AUTOSOMAL RECESSIVE EARLY-ONSET. Identifiers: Orphanet 171695, MedGen C1850100, MONDO:0009830, OMIM 260300.

Submission:

Labcorp Genetics (formerly Invitae), Labcorp
Classification: Pathogenic for Parkinsonian-pyramidal syndrome. Last evaluated: 2023-07-25. Review status: criteria provided, single submitter. Criteria: Invitae Variant Classification Sherloc (09022015). Collection method: clinical testing. Allele origin: germline.
Comment: This sequence change creates a premature translational stop signal (p.Arg306Profs*3) in the FBXO7 gene. It is expected to result in an absent or disrupted protein product. Loss-of-function variants in FBXO7 are known to be pathogenic (PMID: 21347293). This variant is not present in population databases (gnomAD no frequency). This variant has not been reported in the literature in individuals affected with FBXO7-related conditions. For these reasons, this variant has been classified as Pathogenic.

Literature cited by the submitters: PubMed 21347293.